The following is an entry in ClinVar:

ClinVar aggregate classification (germline): Likely benign. Review status: criteria provided, multiple submitters, no conflicts (2 of 4 stars). 3 submissions from 3 submitters: Likely benign (3). Last evaluated 2025-07-30.

Conditions:
Arrhythmogenic right ventricular dysplasia 12. Also called: ARRHYTHMOGENIC RIGHT VENTRICULAR DYSPLASIA, FAMILIAL, 12. Identifiers: MedGen C1969081, MONDO:0012684, OMIM 611528.
Naxos disease (NXD). Also called: PALMOPLANTAR KERATODERMA WITH ARRHYTHMOGENIC RIGHT VENTRICULAR CARDIOMYOPATHY AND WOOLLY HAIR; CARDIOMYOPATHY, ARRHYTHMOGENIC RIGHT VENTRICULAR, WITH SKIN, HAIR, AND NAIL ABNORMALITIES; WOOLLY HAIR, PALMOPLANTAR KERATODERMA, AND CARDIAC ABNORMALITIES; KERATOSIS PALMOPLANTARIS WITH ARRHYTHMOGENIC CARDIOMYOPATHY; MAL DE NAXOS. Identifiers: Orphanet 34217, MedGen C1832600, MONDO:0011017, OMIM 601214.

Allele frequency attached by ClinVar (database versions not stated): gnomAD 0.00002; gnomAD exomes 0.00002; TOPMed 0.00002; ExAC 0.00003.
gnomAD v4.1: 31 of 1,600,552 alleles (0.0019%); highest among the groups gnomAD compares: Non-Finnish European, 0.0021%; no homozygotes.

Submissions (3):

Labcorp Genetics (formerly Invitae), Labcorp
Classification: Likely benign for Arrhythmogenic right ventricular dysplasia 12; Naxos disease. Last evaluated: 2025-07-30. Review status: criteria provided, single submitter. Criteria: Invitae Variant Classification Sherloc (09022015). Collection method: clinical testing. Allele origin: germline.

Fulgent Genetics
Classification: Likely benign for Naxos disease; Arrhythmogenic right ventricular dysplasia 12. Last evaluated: 2021-07-27. Review status: criteria provided, single submitter. Criteria: ACMG Guidelines, 2015. Collection method: clinical testing. Allele origin: unknown.

GeneDx
Classification: Likely benign. Last evaluated: 2018-05-10. Review status: criteria provided, single submitter. Criteria: GeneDx Variant Classification (06012015). Collection method: clinical testing. Allele origin: germline. Affected: yes.
Comment: This variant is considered likely benign or benign based on one or more of the following criteria: it is a conservative change, it occurs at a poorly conserved position in the protein, it is predicted to be benign by multiple in silico algorithms, and/or has population frequency not consistent with disease.

NM_002230.4(JUP):c.2087-18C>T

Gene: JUP (junction plakoglobin; minus strand). Cytogenetic location: 17q21.2.
Variant type: single nucleotide variant.
Coding change: c.2087-18C>T on transcript NM_002230.4 (MANE Select); 18 bases into the intron before coding-DNA position 2087, C replaced by T.
Molecular consequence: intron variant.
Genome position (GRCh38, 1-based): chr17:41,755,913, G>A on the plus strand (C>T on the coding strand, the complement: JUP is on the minus strand). VCF-style: chr17-41755913-G-A. GRCh37 (hg19) VCF-style: chr17-39912165-G-A.
Other names: c.2087-18C>T (NM_001352774.2, NM_021991.4, NM_001352776.2 and 3 more transcripts).
Identifiers: ClinVar variation 668373 (VCV000668373.6), dbSNP rs776307936, ClinGen allele CA8565007.
Genomic context (GRCh38, chr17:41,755,913, plus strand): 5'-GGCACATCGCTGGAGTACATGGGGCGGTAGGTGGCATCCATGTCTGGGGACAAAAAGTGG[G>A]GCTCGGTCCTAGGGTCTGCAAGCTACCCTGCAGGGAGCAGTCTGCACAGCCTTCAGCTGC-3'